The following is an entry in ClinVar:

ClinVar aggregate classification (germline): Pathogenic (1 of 4 stars; one submission).

Conditions:
Primary ciliary dyskinesia. Also called: Ciliary dyskinesia. Identifiers: Orphanet 244, MedGen C0008780, MONDO:0016575, HP:0012265.

Allele frequency attached by ClinVar (database versions not stated): gnomAD exomes below 0.00001 and 0.00001; ExAC 0.00001; gnomAD 0.00001; TOPMed 0.00002.

Submission:

Labcorp Genetics (formerly Invitae), Labcorp
Classification: Pathogenic for Primary ciliary dyskinesia. Last evaluated: 2024-01-24. Review status: criteria provided, single submitter. Criteria: Invitae Variant Classification Sherloc (09022015). Collection method: clinical testing. Allele origin: germline.
Comment: This sequence change replaces glycine, which is neutral and non-polar, with glutamic acid, which is acidic and polar, at codon 464 of the RSPH4A protein (p.Gly464Glu). This variant is present in population databases (rs753041231, gnomAD 0.003%). This missense change has been observed in individual(s) with primary ciliary dyskinesia (PMID: 23993197, 25789548, 27637300; Invitae). ClinVar contains an entry for this variant (Variation ID: 640175). Advanced modeling of protein sequence and biophysical properties (such as structural, functional, and spatial information, amino acid conservation, physicochemical variation, residue mobility, and thermodynamic stability) performed at Invitae indicates that this missense variant is expected to disrupt RSPH4A protein function with a positive predictive value of 80%. Experimental studies have shown that this missense change affects RSPH4A function (PMID: 25789548). For these reasons, this variant has been classified as Pathogenic.

Literature cited by the submitters: PubMed 23993197; PubMed 25789548; PubMed 27637300.

NM_001010892.3(RSPH4A):c.1391G>A (p.Gly464Glu)

Gene: RSPH4A (radial spoke head component 4A; plus strand). Cytogenetic location: 6q22.1.
Variant type: single nucleotide variant.
Coding change: c.1391G>A on transcript NM_001010892.3 (MANE Select); coding-DNA position 1391, G replaced by A.
Protein change: p.Gly464Glu; replaces glycine 464 with glutamic acid.
Molecular consequence: missense variant.
Genome position (GRCh38, 1-based): chr6:116,628,098, G>A. VCF-style: chr6-116628098-G-A. GRCh37 (hg19) VCF-style: chr6-116949261-G-A.
Other names: c.1391G>A, p.Gly464Glu (NM_001161664.2); short protein forms G464E.
Identifiers: ClinVar variation 640175 (VCV000640175.6), dbSNP rs753041231, ClinGen allele CA3970937.